The following is an entry in ClinVar:

ClinVar aggregate classification (germline): Likely pathogenic (1 of 4 stars; one submission).

Conditions:
LAMA2-related muscular dystrophy (LAMA2-RD). Also called: Laminin alpha 2-related dystrophy. Identifiers: MedGen C5679788, MONDO:0100228.

gnomAD v4.1: 5 of 1,614,140 alleles (0.00031%); highest among the groups gnomAD compares: Non-Finnish European, 0.00042%; no homozygotes.

Submission:

Myriad Genetics, Inc.
Classification: Likely pathogenic for LAMA2-related muscular dystrophy. Last evaluated: 2022-03-15. Review status: criteria provided, single submitter. Criteria: Myriad Autosomal Dominant, Autosomal Recessive and X-Linked Classification Criteria (2023). Collection method: clinical testing. Allele origin: unknown.
Comment: NM_000426.3(LAMA2):c.4576G>T(E1526*) is expected to be pathogenic in the context of muscular dystrophy, LAMA2-related. This variant is predicted to lead to an abnormal or absent protein product due to the creation of a premature termination codon in LAMA2, a gene where loss-of-function variants are known to be pathogenic. Please note: this variant was assessed in the context of healthy population screening.

NM_000426.4(LAMA2):c.4576G>T (p.Glu1526Ter)

Gene: LAMA2 (laminin subunit alpha 2; plus strand). Cytogenetic location: 6q22.33.
Variant type: single nucleotide variant.
Coding change: c.4576G>T on transcript NM_000426.4 (MANE Select); coding-DNA position 4576, G replaced by T.
Protein change: p.Glu1526Ter; replaces glutamic acid 1526 with a stop codon.
Molecular consequence: nonsense.
Genome position (GRCh38, 1-based): chr6:129,353,216, G>T. VCF-style: chr6-129353216-G-T. GRCh37 (hg19) VCF-style: chr6-129674361-G-T.
Other names: c.4576G>T, p.Glu1526Ter (NM_001079823.2); short protein forms E1526*.
Identifiers: ClinVar variation 1725284 (VCV001725284.3), dbSNP rs766296358, ClinGen allele CA146910093.